The following is an entry in ClinVar:

NM_152617.4(RNF168):c.280G>A (p.Gly94Ser)

Gene: RNF168 (ring finger protein 168; minus strand). Cytogenetic location: 3q29.
Variant type: single nucleotide variant.
Coding change: c.280G>A on transcript NM_152617.4 (MANE Select); coding-DNA position 280, G replaced by A.
Protein change: p.Gly94Ser; replaces glycine 94 with serine.
Molecular consequence: missense variant.
Genome position (GRCh38, 1-based): chr3:196,502,894, C>T on the plus strand (G>A on the coding strand, the complement: RNF168 is on the minus strand). VCF-style: chr3-196502894-C-T. GRCh37 (hg19) VCF-style: chr3-196229765-C-T.
Other names: short protein forms G94S.
Identifiers: ClinVar variation 1388671 (VCV001388671.6), dbSNP rs779666945, ClinGen allele CA2781008.

ClinVar aggregate classification (germline): Uncertain significance (1 of 4 stars; one submission).

Allele frequency attached by ClinVar (database versions not stated): gnomAD exomes below 0.00001 and 0.00001; ExAC 0.00001; gnomAD 0.00003.
gnomAD v4.1: 9 of 1,614,024 alleles (0.00056%); highest among the groups gnomAD compares: Admixed American, 0.013%; no homozygotes.

Submission:

Labcorp Genetics (formerly Invitae), Labcorp
Classification: Uncertain significance. Last evaluated: 2023-08-10. Review status: criteria provided, single submitter. Criteria: Invitae Variant Classification Sherloc (09022015). Collection method: clinical testing. Allele origin: germline.
Comment: ClinVar contains an entry for this variant (Variation ID: 1388671). An algorithm developed to predict the effect of missense changes on protein structure and function (PolyPhen-2) suggests that this variant is likely to be disruptive. In summary, the available evidence is currently insufficient to determine the role of this variant in disease. Therefore, it has been classified as a Variant of Uncertain Significance. This variant has not been reported in the literature in individuals affected with RNF168-related conditions. This variant is present in population databases (rs779666945, gnomAD 0.0009%). This sequence change replaces glycine, which is neutral and non-polar, with serine, which is neutral and polar, at codon 94 of the RNF168 protein (p.Gly94Ser).